The following is an entry in ClinVar:

ClinVar aggregate classification (germline): Conflicting classifications of pathogenicity. Review status: criteria provided, conflicting classifications (1 of 4 stars). 4 submissions from 4 submitters: Likely pathogenic (1); Uncertain significance (3). Last evaluated 2025-07-27.

Conditions:
Congenital bilateral perisylvian syndrome. Also called: Bilateral perisylvian polymicrogyria; Perisylvian syndrome. Identifiers: Orphanet 98889, MedGen C1845668, MONDO:0020340, HP:0032407.
Optic atrophy. Identifiers: MedGen C0029124, MONDO:0003608, HP:0000648.

Submissions (4):

Labcorp Genetics (formerly Invitae), Labcorp
Classification: Uncertain significance. Last evaluated: 2025-07-27. Review status: criteria provided, single submitter. Criteria: Invitae Variant Classification Sherloc (09022015). Collection method: clinical testing. Allele origin: germline.
Comment: This sequence change replaces serine, which is neutral and polar, with cysteine, which is neutral and slightly polar, at codon 308 of the WFS1 protein (p.Ser308Cys). This variant is not present in population databases (gnomAD no frequency). This missense change has been observed in individual(s) with clinical features of WFS1-related deafness (PMID: 29529044, 38712318). ClinVar contains an entry for this variant (Variation ID: 1496445). Invitae Evidence Modeling of protein sequence and biophysical properties (such as structural, functional, and spatial information, amino acid conservation, physicochemical variation, residue mobility, and thermodynamic stability) has been performed for this missense variant. However, the output from this modeling did not meet the statistical confidence thresholds required to predict the impact of this variant on WFS1 protein function. In summary, the available evidence is currently insufficient to determine the role of this variant in disease. Therefore, it has been classified as a Variant of Uncertain Significance.

GeneDx
Classification: Uncertain significance. Last evaluated: 2025-02-06. Review status: criteria provided, single submitter. Criteria: GeneDx Variant Classification Process June 2021. Collection method: clinical testing. Allele origin: germline. Affected: yes.
Comment: In silico analysis supports that this missense variant has a deleterious effect on protein structure/function; Not observed at significant frequency in large population cohorts (gnomAD); This variant is associated with the following publications: (PMID: 29529044, 36225977, 34599366, 38712318, 37121227)

Center for Statistical Genetics, Columbia University
Classification: Likely pathogenic for Congenital bilateral perisylvian syndrome. Last evaluated: 2023-12-01. Review status: criteria provided, single submitter. Criteria: ACMG Guidelines, 2015. Collection method: research. Allele origin: inherited. Affected: yes.

Institute of Human Genetics, Univ. Regensburg, Univ. Regensburg
Classification: Uncertain significance for Optic atrophy. Last evaluated: 2022-01-01. Review status: criteria provided, single submitter. Criteria: ACMG Guidelines, 2015. Collection method: clinical testing. Allele origin: germline. Affected: yes.

Literature cited by the submitters: PubMed 29529044 (cited by Labcorp Genetics (formerly Invitae), Labcorp and Institute of Human Genetics, Univ. Regensburg, Univ. Regensburg); PubMed 38712318 (cited by Labcorp Genetics (formerly Invitae), Labcorp).

NM_006005.3(WFS1):c.923C>G (p.Ser308Cys)

Gene: WFS1 (wolframin ER transmembrane glycoprotein; plus strand). Cytogenetic location: 4p16.1.
Variant type: single nucleotide variant.
Coding change: c.923C>G on transcript NM_006005.3 (MANE Select); coding-DNA position 923, C replaced by G.
Protein change: p.Ser308Cys; replaces serine 308 with cysteine.
Molecular consequence: missense variant.
Genome position (GRCh38, 1-based): chr4:6,300,718, C>G. VCF-style: chr4-6300718-C-G. GRCh37 (hg19) VCF-style: chr4-6302445-C-G.
Other names: c.923C>G, p.Ser308Cys (NM_001145853.1); short protein forms S308C.
Identifiers: ClinVar variation 1496445 (VCV001496445.10), dbSNP rs2109125016, ClinGen allele CA356173895.